The following is an entry in ClinVar:

NM_006648.4(WNK2):c.4985A>G (p.Gln1662Arg)

Gene: WNK2 (WNK lysine deficient protein kinase 2; plus strand). Cytogenetic location: 9q22.31.
Variant type: single nucleotide variant.
Coding change: c.4985A>G on transcript NM_006648.4 (MANE Select); coding-DNA position 4985, A replaced by G.
Protein change: p.Gln1662Arg; replaces glutamine 1662 with arginine.
Molecular consequence: missense variant.
Genome position (GRCh38, 1-based): chr9:93,292,356, A>G. VCF-style: chr9-93292356-A-G. GRCh37 (hg19) VCF-style: chr9-96054638-A-G.
Other names: c.5096A>G, p.Gln1699Arg (NM_001282394.3); short protein forms Q1662R, Q1699R.
Identifiers: ClinVar variation 4866655 (VCV004866655.1).

ClinVar aggregate classification (germline): Uncertain significance (1 of 4 stars; one submission).

gnomAD v4.1: 2 of 1,613,974 alleles (0.00012%); highest among the groups gnomAD compares: East Asian, 0.0022%; no homozygotes.

Submission:

Ambry Genetics
Classification: Uncertain significance. Last evaluated: 2026-05-14. Review status: criteria provided, single submitter. Criteria: Ambry Variant Classification Scheme 2023. Collection method: clinical testing. Allele origin: germline.
Comment: The p.Q1662R variant (also known as c.4985A>G), located in coding exon 21 of the WNK2 gene, results from an A to G substitution at nucleotide position 4985. The glutamine at codon 1662 is replaced by arginine, an amino acid with highly similar properties. This amino acid position is conserved. In addition, this alteration is predicted to be tolerated by in silico analysis. Based on the available evidence, the clinical significance of this variant remains unclear.